The following is an entry in ClinVar:

NM_000138.5(FBN1):c.1889A>T (p.Asn630Ile)

Gene: FBN1 (fibrillin 1; minus strand). Cytogenetic location: 15q21.1.
Variant type: single nucleotide variant.
Coding change: c.1889A>T on transcript NM_000138.5 (MANE Select); coding-DNA position 1889, A replaced by T.
Protein change: p.Asn630Ile; replaces asparagine 630 with isoleucine.
Molecular consequence: missense variant.
Genome position (GRCh38, 1-based): chr15:48,505,096, T>A on the plus strand (A>T on the coding strand, the complement: FBN1 is on the minus strand). VCF-style: chr15-48505096-T-A. GRCh37 (hg19) VCF-style: chr15-48797293-T-A.
Other names: p.N630I:AAC>ATC; short protein forms N630I.
Identifiers: ClinVar variation 199982 (VCV000199982.2), dbSNP rs794728178, ClinGen allele CA012657.

ClinVar aggregate classification (germline): Pathogenic (1 of 4 stars; one submission).

Submission:

GeneDx
Classification: Pathogenic. Last evaluated: 2012-11-02. Review status: criteria provided, single submitter. Criteria: GeneDx Variant Classification (06012015). Collection method: clinical testing. Allele origin: germline. Affected: yes.
Comment: p.Asn630Ile (AAC>ATC): c.1889 A>T in exon 16 of the FBN1 gene (NM_000138.4)The Asn630Ile mutation in the FBN1 gene has not been reported as a disease-causing mutation or as a benign polymorphism to our knowledge. However, a mutation affecting this same codon, Asn630Lys, has been reported in association with Marfan syndrome (Stheneur C et al., 2009). Also, mutations in nearby residues (Arg627Cys, Ser634Pro) have been reported in association with Marfan syndrome, further supporting the functional importance of this codon and this region of the protein. Asn630Ile results in a non-conservative amino acid substitution of a polar Asparagine with a non-polar Isoleucine at a position that is conserved across species. In silico analysis predicts Asn630Ile is probably damaging to the protein structure/function. Furthermore, the NHLBI ESP Exome Variant Server reports Asn630Ile was not observed in approximately 6,000 samples from individuals of European and African American backgrounds, indicating it is not a common benign variant in these populations.In summary, Asn630Ile in the FBN1 gene is interpreted as a likely disease-causing mutation. The variant is found in TAAD panel(s).